The following is an entry in ClinVar:

ClinVar aggregate classification (germline): Likely benign. Review status: criteria provided, multiple submitters, no conflicts (2 of 4 stars). 5 submissions from 5 submitters: Likely benign (4). 1 of the submissions does not count toward it. Last evaluated 2026-01-20.

Conditions:
Hereditary acrodermatitis enteropathica (AEZ). Also called: Acrodermatitis enteropathica. Identifiers: Orphanet 37, MedGen C0221036, MONDO:0008713, OMIM 201100.

Allele frequency attached by ClinVar (database versions not stated): gnomAD 0.00005; TOPMed 0.00005; ExAC 0.00006; gnomAD exomes 0.00007; ESP Exome Variant Server 0.00008.
gnomAD v4.1: 59 of 1,612,500 alleles (0.0037%); highest among the groups gnomAD compares: Admixed American, 0.0017%; 1 homozygote.

Submissions (5):

Labcorp Genetics (formerly Invitae), Labcorp
Classification: Likely benign. Last evaluated: 2026-01-20. Review status: criteria provided, single submitter. Criteria: Invitae Variant Classification Sherloc (09022015). Collection method: clinical testing. Allele origin: germline.

Mayo Clinic Laboratories, Mayo Clinic
Classification: Likely benign. Last evaluated: 2025-07-23. Review status: criteria provided, single submitter. Criteria: ACMG Guidelines, 2015. Collection method: clinical testing. Allele origin: germline. Observed: 1 variant allele.
Comment: BP4, BP7

Blueprint Genetics
Classification: Likely benign. Last evaluated: 2024-06-12. Review status: criteria provided, single submitter. Criteria: ACMG Guidelines, 2015. Collection method: clinical testing. Allele origin: germline.

CeGaT Center for Human Genetics Tuebingen
Classification: Likely benign. Last evaluated: 2022-04-01. Review status: criteria provided, single submitter. Criteria: CeGaT Center For Human Genetics Tuebingen Variant Classification Criteria Version 2. Collection method: clinical testing. Allele origin: germline. Affected: yes. Observed: 2 variant alleles.
Comment: SLC39A4: BP4, BP7

Natera, Inc.
Classification: Uncertain significance for Acrodermatitis enteropathica. Last evaluated: 2020-01-24. Review status: no assertion criteria provided. Collection method: clinical testing. Allele origin: germline. Not counted in ClinVar's aggregate classification.

NM_130849.4(SLC39A4):c.87G>A (p.Leu29=)

Gene: SLC39A4 (solute carrier family 39 member 4; minus strand). Cytogenetic location: 8q24.3.
Variant type: single nucleotide variant.
Coding change: c.87G>A on transcript NM_130849.4 (MANE Select); coding-DNA position 87, G replaced by A.
Protein change: p.Leu29=; no amino-acid change (leucine 29 retained).
Molecular consequence: synonymous variant.
Genome position (GRCh38, 1-based): chr8:144,416,703, C>T on the plus strand (G>A on the coding strand, the complement: SLC39A4 is on the minus strand). VCF-style: chr8-144416703-C-T. GRCh37 (hg19) VCF-style: chr8-145642087-C-T.
Other names: p.Leu29=; c.87G>A, p.Leu29= (NM_001374839.1).
Identifiers: ClinVar variation 734265 (VCV000734265.36), dbSNP rs367624191, ClinGen allele CA4941863.